The following is an entry in ClinVar:

ClinVar aggregate classification (germline): Pathogenic/Likely pathogenic. Review status: criteria provided, multiple submitters, no conflicts (2 of 4 stars). 7 submissions from 7 submitters: Pathogenic (3); Likely pathogenic (4). Last evaluated 2025-05-02.

Conditions:
Hereditary cancer-predisposing syndrome. Also called: Neoplastic Syndromes, Hereditary; Hereditary Cancer Syndrome; Tumor predisposition; Hereditary neoplastic syndrome. Identifiers: Orphanet 140162, MedGen C0027672, MeSH D009386, MONDO:0015356.
Ataxia-telangiectasia syndrome (AT). Also called: LOUIS-BAR SYNDROME; Cerebello-oculocutaneous telangiectasia; Immunodeficiency with ataxia telangiectasia; Ataxia-telangiectasia, complementation group D; AT, COMPLEMENTATION GROUP C; Ataxia-telangiectasia, complementation group E. Identifiers: Orphanet 100, MedGen C0004135, MONDO:0008840, OMIM 208900.
Familial cancer of breast. Also called: Hereditary breast cancer; BREAST CANCER, FAMILIAL; hereditary breast carcinoma. Identifiers: Orphanet 227535, MedGen C0346153, MONDO:0016419, OMIM 114480. Disease mechanism: loss of function.

Allele frequency attached by ClinVar (database versions not stated): ExAC 0.00001; gnomAD exomes below 0.00001.

Submissions (7):

GeneDx
Classification: Pathogenic. Last evaluated: 2025-05-02. Review status: criteria provided, single submitter. Criteria: GeneDx Variant Classification Process June 2021. Collection method: clinical testing. Allele origin: germline. Affected: yes.
Comment: Canonical splice site variant predicted to result in an in-frame loss of the adjacent exon in a gene for which loss of function is a known mechanism of disease; Not observed at significant frequency in large population cohorts (gnomAD); This variant is associated with the following publications: (PMID: 30322717)

Labcorp Genetics (formerly Invitae), Labcorp
Classification: Pathogenic for Ataxia-telangiectasia syndrome. Last evaluated: 2025-02-24. Review status: criteria provided, single submitter. Criteria: Invitae Variant Classification Sherloc (09022015). Collection method: clinical testing. Allele origin: germline.
Comment: This sequence change affects a splice site in intron 31 of the ATM gene. It is expected to disrupt RNA splicing. Variants that disrupt the donor or acceptor splice site typically lead to a loss of protein function (PMID: 16199547), and loss-of-function variants in ATM are known to be pathogenic (PMID: 23807571, 25614872). This variant is present in population databases (rs762838462, gnomAD 0.0009%). This variant has not been reported in the literature in individuals affected with ATM-related conditions. ClinVar contains an entry for this variant (Variation ID: 420098). Algorithms developed to predict the effect of sequence changes on RNA splicing suggest that this variant may disrupt the consensus splice site. For these reasons, this variant has been classified as Pathogenic.

Natera, Inc.
Classification: Likely pathogenic for Ataxia-telangiectasia. Last evaluated: 2024-12-24. Review status: criteria provided, single submitter. Criteria: Natera Variant Classification Schema (03/2026). Collection method: clinical testing. Allele origin: germline.
Comment: The c.4776+2_4776+13delTAATAAAAATTT variant in ATM is a canonical splice donor site variant predicted to affect pre-mRNA splicing, which may result in an abnormal transcript and altered protein product. This variant may result in a truncated or dysfunctional protein product. This variant is rare in the general population with a frequency below the threshold expected for the associated phenotype(s). Another variant at this same site results in an alteration predicted to cause a similar molecular effect has been observed in individual(s) with the associated phenotype. Given the available evidence, this variant is classified as Likely Pathogenic.

Ambry Genetics
Classification: Pathogenic for Hereditary cancer-predisposing syndrome. Last evaluated: 2024-06-05. Review status: criteria provided, single submitter. Criteria: Ambry Variant Classification Scheme 2023. Collection method: clinical testing. Allele origin: germline.
Comment: The c.4776+2_4776+13del12 intronic pathogenic mutation, located in intron 30 of the ATM gene, results from a deletion of 12 nucleotides within intron 30 of the ATM gene. This nucleotide region is well conserved in available vertebrate species. In silico splice site analysis predicts that this alteration will weaken the native splice donor site. RNA studies have demonstrated that this alteration results in abnormal splicing in the set of samples tested (Ambry internal data). In addition, multiple ATM mutations affecting this canonical splice donor site (c.4776+2T>C, c.4776+2T>A, c.4776+2T>C), have been reported in patients with ataxia telangiectasia and have also been shown to result in skipping of coding exon 30 (Gilad S et al. Am. J. Hum. Genet. 1998 Mar;62(3):551-61; Ejima Y et al. Hum. Genet., 1998 Apr;102:403-8; Ambry internal data). This variant is considered to be rare based on population cohorts in the Genome Aggregation Database (gnomAD). Alterations that disrupt the canonical splice site are expected to cause aberrant splicing, resulting in an abnormal protein or a transcript that is subject to nonsense-mediated mRNA decay. As such, this alteration is classified as a disease-causing mutation.

Myriad Genetics, Inc.
Classification: Likely pathogenic for Familial cancer of breast. Last evaluated: 2024-01-24. Review status: criteria provided, single submitter. Criteria: Myriad Autosomal Dominant, Autosomal Recessive and X-Linked Classification Criteria (2023). Collection method: clinical testing. Allele origin: unknown.
Comment: This variant is considered likely pathogenic. This variant occurs within a consensus splice junction and is predicted to result in abnormal mRNA splicing of either an out-of-frame exon or an in-frame exon necessary for protein stability and/or normal function.

Baylor Genetics
Classification: Likely pathogenic for Familial cancer of breast. Last evaluated: 2022-04-08. Review status: criteria provided, single submitter. Criteria: ACMG Guidelines, 2015. Collection method: clinical testing. Allele origin: unknown.

Color Diagnostics, LLC DBA Color Health
Classification: Likely pathogenic for Hereditary cancer-predisposing syndrome. Last evaluated: 2022-03-09. Review status: criteria provided, single submitter. Criteria: ACMG Guidelines, 2015. Collection method: clinical testing. Allele origin: germline.
Comment: This variant causes a 12 nucleotide deletion affecting a canonical splice site in intron 31 of the ATM gene. Splice site prediction tools predict that this variant may have a significant impact on RNA splicing. Although this prediction has not been confirmed in published RNA studies, this variant is expected to result in an absent or disrupted protein product. This variant has not been reported in individuals affected with hereditary cancer in the literature. This variant has been identified in 1/249594 chromosomes in the general population by the Genome Aggregation Database (gnomAD). Loss of ATM function is a known mechanism of disease. Based on the available evidence, this variant is classified as Likely Pathogenic.

Literature cited by the submitters: PubMed 16199547 (cited by Labcorp Genetics (formerly Invitae), Labcorp); PubMed 23807571 (cited by Labcorp Genetics (formerly Invitae), Labcorp); PubMed 25614872 (cited by Labcorp Genetics (formerly Invitae), Labcorp).

NM_000051.4(ATM):c.4776+2_4776+13del

Gene: ATM (ATM serine/threonine kinase; plus strand). Cytogenetic location: 11q22.3.
Variant type: Deletion.
Coding change: c.4776+2_4776+13del on transcript NM_000051.4 (MANE Select); the canonical splice donor site of the intron after coding-DNA position 4776 through 13 bases into the intron after coding-DNA position 4776, 12 bases deleted (TAATAAAAATTT).
Molecular consequence: splice donor variant.
Genome position (GRCh38, 1-based): chr11:108,293,479-108,293,490, TAATAAAAATTT deleted. VCF-style (leftmost placement, unchanged base first): chr11-108293478-GTAATAAAAATTT-G. GRCh37 (hg19) VCF-style: chr11-108164205-GTAATAAAAATTT-G.
Other names: c.4776+2_4776+13delTAATAAAAATTT (NM_000051.3); c.4776+2_4776+13del (NM_001351834.2).
Identifiers: ClinVar variation 420098 (VCV000420098.17), dbSNP rs762838462, ClinGen allele CA6265537.
Genomic context (GRCh38, chr11:108,293,478, plus strand): 5'-GATTTGCGTATTACTCAGCAAAAAATCAAATACAGTAGAGGACCCTTTTCACTCTTGGAG[GTAATAAAAATTT>G]CATCATCTACTATTTTTTATTAGAGAACATAGTAGTACTTTTCAAAAATCTGTAATGCTC-3'